The following is an entry in ClinVar:

NM_177438.3(DICER1):c.5103C>A (p.Tyr1701Ter)

Gene: DICER1 (dicer 1, ribonuclease III; minus strand). Cytogenetic location: 14q32.13.
Variant type: single nucleotide variant.
Coding change: c.5103C>A on transcript NM_177438.3 (MANE Select); coding-DNA position 5103, C replaced by A.
Protein change: p.Tyr1701Ter; replaces tyrosine 1701 with a stop codon.
Molecular consequence: nonsense.
Genome position (GRCh38, 1-based): chr14:95,094,149, G>T on the plus strand (C>A on the coding strand, the complement: DICER1 is on the minus strand). VCF-style: chr14-95094149-G-T. GRCh37 (hg19) VCF-style: chr14-95560486-G-T.
Other names: c.5103C>A, p.Tyr1701Ter (NM_001195573.1, NM_001271282.3, NM_001291628.2 and 1 more transcripts); short protein forms Y1701*.
Identifiers: ClinVar variation 225884 (VCV000225884.6), dbSNP rs875989780, ClinGen allele CA10576126.

ClinVar aggregate classification (germline): Pathogenic/Likely pathogenic. Review status: criteria provided, multiple submitters, no conflicts (2 of 4 stars). 3 submissions from 3 submitters: Pathogenic (2); Likely pathogenic (1). Last evaluated 2019-07-01.

Conditions:
DICER1-related tumor predisposition. Also called: DICER1 syndrome; DICER1-related pleuropulmonary blastoma cancer predisposition syndrome. Identifiers: Orphanet 284343, MedGen C3839822, MONDO:0100216.
Pineoblastoma. Identifiers: Orphanet 251909, MedGen C0205898, MONDO:0016722, HP:0030408.

Submissions (3):

Foulkes Cancer Genetics LDI, Lady Davis Institute for Medical Research
Classification: Pathogenic for Pleuropulmonary blastoma. Last evaluated: 2019-07-01. Review status: criteria provided, single submitter. Criteria: ACMG Guidelines, 2015. Collection method: curation. Allele origin: germline. Affected: yes. Observed: 1 variant allele.
Comment: ACMG criteria met: PVS1, PM2, PP4

Lupski Lab, Baylor-Hopkins CMG, Baylor College of Medicine
Classification: Pathogenic for Pineoblastoma. Last evaluated: 2014-07-15. Review status: criteria provided, single submitter. Criteria: de Kock et al. (Acta Neuropathol. 2014). Collection method: research. Allele origin: germline. Inheritance: Autosomal dominant inheritance. Affected: yes. Observed: 1 variant allele.

PreventionGenetics, part of Exact Sciences
Classification: Likely pathogenic. Last evaluated: 2014-04-17. Review status: criteria provided, single submitter. Criteria: ACMG Guidelines, 2015. Collection method: clinical testing. Allele origin: germline.

Literature cited by the submitters: PubMed 25022261 (cited by Foulkes Cancer Genetics LDI, Lady Davis Institute for Medical Research).